The following is an entry in ClinVar:

NM_020693.4(DSCAML1):c.73C>T (p.Leu25Phe)

Gene: DSCAML1 (DS cell adhesion molecule like 1; minus strand). Cytogenetic location: 11q23.3.
Variant type: single nucleotide variant.
Coding change: c.73C>T on transcript NM_020693.4 (MANE Select); coding-DNA position 73, C replaced by T.
Protein change: p.Leu25Phe; replaces leucine 25 with phenylalanine.
Molecular consequence: missense variant. On other transcripts: 5 prime UTR variant (1).
Genome position (GRCh38, 1-based): chr11:117,780,784, G>A on the plus strand (C>T on the coding strand, the complement: DSCAML1 is on the minus strand). VCF-style: chr11-117780784-G-A. GRCh37 (hg19) VCF-style: chr11-117651499-G-A.
Other names: c.73C>T, p.Leu25Phe (NM_001367904.1); c.-336C>T (NM_001367905.1); short protein forms L25F.
Identifiers: ClinVar variation 1920340 (VCV001920340.5), dbSNP rs1488811101, ClinGen allele CA382761109.
Genomic context (GRCh38, chr11:117,780,784, plus strand): 5'-CCACCACCCCCACGGAGCTGGAAAAGGTCACCTGCTGCAAGGAGTCATTTACAAAGTAGA[G>A]GCTGGTGCCAACATCTTCAGGGCGGGCTGCAGGAGAGGCAAGGGGAGAGACTTGGTTAGC-3'
Protein context (NP_065744.3, residues 15-35): KARPEDVGTS[Leu25Phe]YFVNDSLQQV

ClinVar aggregate classification (germline): Uncertain significance (1 of 4 stars; one submission).

Allele frequency attached by ClinVar (database versions not stated): gnomAD exomes below 0.00001; TOPMed below 0.00001; gnomAD 0.00001.
gnomAD v4.1: 2 of 1,481,502 alleles (0.00013%); highest among the groups gnomAD compares: Non-Finnish European, 0.00018%; no homozygotes.

Submission:

Labcorp Genetics (formerly Invitae), Labcorp
Classification: Uncertain significance. Last evaluated: 2022-08-20. Review status: criteria provided, single submitter. Criteria: Invitae Variant Classification Sherloc (09022015). Collection method: clinical testing. Allele origin: germline.
Comment: This sequence change replaces leucine, which is neutral and non-polar, with phenylalanine, which is neutral and non-polar, at codon 85 of the DSCAML1 protein (p.Leu85Phe). This variant is not present in population databases (gnomAD no frequency). This variant has not been reported in the literature in individuals affected with DSCAML1-related conditions. Algorithms developed to predict the effect of missense changes on protein structure and function are either unavailable or do not agree on the potential impact of this missense change (SIFT: "Deleterious"; PolyPhen-2: "Probably Damaging"; Align-GVGD: "Class C0"). In summary, the available evidence is currently insufficient to determine the role of this variant in disease. Therefore, it has been classified as a Variant of Uncertain Significance.